The following is an entry in ClinVar:

NM_000080.4(CHRNE):c.992G>A (p.Arg331Gln)

Gene: CHRNE (cholinergic receptor nicotinic epsilon subunit; minus strand). Cytogenetic location: 17p13.2.
Variant type: single nucleotide variant.
Coding change: c.992G>A on transcript NM_000080.4 (MANE Select); coding-DNA position 992, G replaced by A.
Protein change: p.Arg331Gln; replaces arginine 331 with glutamine.
Molecular consequence: missense variant.
Genome position (GRCh38, 1-based): chr17:4,899,508, C>T on the plus strand (G>A on the coding strand, the complement: CHRNE is on the minus strand). VCF-style: chr17-4899508-C-T. GRCh37 (hg19) VCF-style: chr17-4802803-C-T.
Other names: c.992G>A, p.Arg331Gln (LRG_1254t1); short protein forms R331Q.
Identifiers: ClinVar variation 641946 (VCV000641946.38), dbSNP rs760022829, ClinGen allele CA8314086.
Genomic context (GRCh38, chr17:4,899,508, plus strand): 5'-ACCGCCCCCTCCGCGCTTACGTGGCGCAGCCGCGGGGACATGGCGTGGGTGGTGGGCGTC[C>T]GCTGGGACACGTTGAGCACGATGACGCAATTCATGACAATGAGCGTGGCGACCACCATGA-3'
Protein context (NP_000071.1, residues 321-341): NCVIVLNVSQ[Arg331Gln]TPTTHAMSPR

ClinVar aggregate classification (germline): Pathogenic/Likely pathogenic. Review status: criteria provided, multiple submitters, no conflicts (2 of 4 stars). 8 submissions from 7 submitters: Pathogenic (5); Likely pathogenic (3). Last evaluated 2025-11-10.

Conditions:
Congenital myasthenic syndrome 4B. Also called: Myasthenic syndrome, congenital, 4b, fast-channel. Identifiers: Orphanet 590, MedGen C4225369, MONDO:0014586, OMIM 616324.
Congenital myasthenic syndrome (CMS). Also called: Congenital Myasthenic Syndromes. Identifiers: Orphanet 590, MedGen C0751882, MeSH D020294, MONDO:0018940.
CHRNE-related disorder. Also called: CHRNE-related condition.
Congenital myasthenic syndrome 4A. Also called: Myasthenic syndrome, congenital, 4a, slow-channel; CONGENITAL MYASTHENIC SYNDROME TYPE Ia1; MYASTHENIC SYNDROME, CONGENITAL, 4A, SLOW-CHANNEL, AUTOSOMAL RECESSIVE. Identifiers: Orphanet 590, MedGen C4225413, MONDO:0011600, OMIM 605809.
Abnormality of the musculature. Identifiers: MedGen C4021745, HP:0003011.

Allele frequency attached by ClinVar (database versions not stated): gnomAD exomes 0.00001; ExAC 0.00002.
gnomAD v4.1: 11 of 1,603,608 alleles (0.00069%); highest among the groups gnomAD compares: Non-Finnish European, 0.00077%; no homozygotes.

Submissions (8):

PreventionGenetics, part of Exact Sciences
Classification: Likely pathogenic for CHRNE-related condition. Last evaluated: 2025-11-10. Review status: criteria provided, single submitter. Criteria: ACMG Guidelines, 2015. Collection method: clinical testing. Allele origin: germline.
Comment: The CHRNE c.992G>A variant is predicted to result in the amino acid substitution p.Arg331Gln. This variant has been reported in the homozgygous or compound heterozygous state in indiviudals with congenital myasthenic syndrome (Ealing et al. 2002. PubMed ID: 12417530; Supplementary Table 2, Abolhassani et al. 2024. PubMed ID: 38374194; Supplementary table 1, Marchant et al. 2024. PubMed ID: 38544359). An alternate missense change impacting the same amino acid position (p.Arg331Trp) has been reported an individual with autosomal recessive congenital myasthenic syndrome (Ohno et al. 1997. PubMed ID: 9158150). The p.Arg331Gln variant is absent from a large population database (gnomAD), indicating the variant is rare. This variant is interpreted as likely pathogenic.

GeneDx
Classification: Likely pathogenic. Last evaluated: 2025-08-15. Review status: criteria provided, single submitter. Criteria: GeneDx Variant Classification Process June 2021. Collection method: clinical testing. Allele origin: germline. Affected: yes.
Comment: Reported along with a second variant in the CHRNE gene in patients with CHRNE-related myasthenia in the published literature; however it is not known whether the variants occurred on the same (in cis) or on different (in trans) alleles in all cases (PMID: 12417530, 19544078); In silico analysis supports that this missense variant has a deleterious effect on protein structure/function; Not observed at significant frequency in large population cohorts (gnomAD); This variant is associated with the following publications: (PMID: 39550999, 38544359, 38374194, 12417530, 19544078)

Natera, Inc.
Classification: Pathogenic for Congenital myasthenic syndrome. Last evaluated: 2025-02-23. Review status: criteria provided, single submitter. Criteria: Natera Variant Classification Schema (03/2026). Collection method: clinical testing. Allele origin: germline.
Comment: The c.992G>A variant in CHRNE is a missense variant predicted to cause substitution of arginine to glutamine at amino acid 331. This variant is rare in the general population with a frequency below the threshold expected for the associated phenotype(s). This variant has been observed in one or more individuals affected with the associated recessive disease, as either homozygous or compound heterozygous with a second variant (PMID: 19544078). Given the available evidence, this variant is classified as Pathogenic.

Labcorp Genetics (formerly Invitae), Labcorp
Classification: Pathogenic for Congenital myasthenic syndrome 4A. Last evaluated: 2024-04-25. Review status: criteria provided, single submitter. Criteria: Invitae Variant Classification Sherloc (09022015). Collection method: clinical testing. Allele origin: germline.
Comment: This sequence change replaces arginine, which is basic and polar, with glutamine, which is neutral and polar, at codon 331 of the CHRNE protein (p.Arg331Gln). The frequency data for this variant in the population databases is considered unreliable, as metrics indicate poor data quality at this position in the gnomAD database. This missense change has been observed in individual(s) with autosomal recessive congenital myasthenic syndrome (PMID: 12417530, 19544078). In at least one individual the data is consistent with being in trans (on the opposite chromosome) from a pathogenic variant. It has also been observed to segregate with disease in related individuals. This variant is also known as p.Arg311Gln. ClinVar contains an entry for this variant (Variation ID: 641946). Advanced modeling of protein sequence and biophysical properties (such as structural, functional, and spatial information, amino acid conservation, physicochemical variation, residue mobility, and thermodynamic stability) has been performed at Invitae for this missense variant, however the output from this modeling did not meet the statistical confidence thresholds required to predict the impact of this variant on CHRNE protein function. Experimental studies have shown that this missense change does not substantially affect CHRNE function (PMID: 12417530). This variant disrupts the p.Arg331 amino acid residue in CHRNE. Other variant(s) that disrupt this residue have been observed in individuals with CHRNE-related conditions (PMID: 9158150), which suggests that this may be a clinically significant amino acid residue. For these reasons, this variant has been classified as Pathogenic.

Women's Health and Genetics/Laboratory Corporation of America, LabCorp
Classification: Pathogenic for Congenital myasthenic syndrome. Last evaluated: 2023-10-03. Review status: criteria provided, single submitter. Criteria: LabCorp Variant Classification Summary - May 2015. Collection method: clinical testing. Allele origin: germline.
Comment: Variant summary: CHRNE c.992G>A (p.Arg331Gln) results in a conservative amino acid change located in the Neurotransmitter-gated ion-channel transmembrane domain (IPR006029) of the encoded protein sequence. Four of five in-silico tools predict a damaging effect of the variant on protein function. The variant was absent in 230936 control chromosomes. c.992G>A has been reported in the literature in multiple individuals affected with Congenital Myasthenic Syndrome, either in trans along with second pathogenic variants or at a homozygous state (examples, Ealing_2002, Faber_2009). Additionally, at least one variant at the Arg331 residue has been reported in patients with Congenital Myasthenic Syndrome (p.R331W, Likely Pathogenic in ClinVar), suggesting that this codon may be functionally important. These data indicate that the variant is very likely to be associated with disease. To our knowledge, no experimental evidence demonstrating an impact on protein function has been reported. The following publications have been ascertained in the context of this evaluation (PMID: 12417530, 19544078). Four submitters have cited clinical-significance assessments for this variant to ClinVar after 2014. All submitters classified the variant as pathogenic/likely pathogenic. Based on the evidence outlined above, the variant was classified as pathogenic.

Baylor Genetics
Classification: Pathogenic for Congenital myasthenic syndrome 4A. Last evaluated: 2023-07-22. Review status: criteria provided, single submitter. Criteria: ACMG Guidelines, 2015. Collection method: clinical testing. Allele origin: unknown.

Kariminejad - Najmabadi Pathology & Genetics Center
Classification: Likely pathogenic for Abnormality of the musculature. Last evaluated: 2021-07-10. Review status: criteria provided, single submitter. Criteria: ACMG Guidelines, 2015. Collection method: clinical testing. Allele origin: germline. Affected: yes.

Baylor Genetics
Classification: Pathogenic for Congenital myasthenic syndrome 4B. Last evaluated: 2019-12-12. Review status: criteria provided, single submitter. Criteria: ACMG Guidelines, 2015. Collection method: clinical testing. Allele origin: unknown. Affected: yes.
Comment: This variant was determined to be pathogenic according to ACMG Guidelines, 2015 [PMID:25741868].

Literature cited by the submitters: PubMed 19544078 (cited by 3 submitters); PubMed 12417530 (cited by Labcorp Genetics (formerly Invitae), Labcorp and Women's Health and Genetics/Laboratory Corporation of America, LabCorp); PubMed 9158150 (cited by Labcorp Genetics (formerly Invitae), Labcorp).